The following is an entry in ClinVar:

NM_206933.4(USH2A):c.9959-1G>C

Gene: USH2A (usherin; minus strand). Cytogenetic location: 1q41.
Variant type: single nucleotide variant.
Coding change: c.9959-1G>C on transcript NM_206933.4 (MANE Select); the canonical splice acceptor site of the intron before coding-DNA position 9959, G replaced by C.
Molecular consequence: splice acceptor variant.
Genome position (GRCh38, 1-based): chr1:215,790,283, C>G on the plus strand (G>C on the coding strand, the complement: USH2A is on the minus strand). VCF-style: chr1-215790283-C-G. GRCh37 (hg19) VCF-style: chr1-215963625-C-G.
Identifiers: ClinVar variation 2202948 (VCV002202948.5), dbSNP rs970237364, ClinGen allele CA37443115.
Genomic context (GRCh38, chr1:215,790,283, plus strand): 5'-AAGCTGAGCAGCATATGGTATCTGACATATTCACATAATCCTGCCCACAACAGAACATAC[C>G]TGCAACAATAAAATGTTATATATGAATATGAAATAGAAAAAGGGAAGAAAACTGAGGCTG-3'

ClinVar aggregate classification (germline): Pathogenic. Review status: criteria provided, multiple submitters, no conflicts (2 of 4 stars). 2 submissions from 2 submitters: Pathogenic (2). Last evaluated 2022-03-24.

Conditions:
USH2A-related disorder. Also called: USH2A-related disorders; USH2A-related condition. Identifiers: MedGen CN239332.

Submissions (2):

Blueprint Genetics
Classification: Pathogenic for USH2A-related disorders. Last evaluated: 2022-03-24. Review status: criteria provided, single submitter. Criteria: ACMG Guidelines, 2015. Collection method: clinical testing. Allele origin: germline. Affected: yes. Observed: 1 variant allele.

Labcorp Genetics (formerly Invitae), Labcorp
Classification: Pathogenic. Last evaluated: 2022-03-15. Review status: criteria provided, single submitter. Criteria: Invitae Variant Classification Sherloc (09022015). Collection method: clinical testing. Allele origin: germline.
Comment: For these reasons, this variant has been classified as Pathogenic. Algorithms developed to predict the effect of sequence changes on RNA splicing suggest that this variant may disrupt the consensus splice site. Disruption of this splice site has been observed in individual(s) with Usher syndrome (PMID: 25558175). In at least one individual the data is consistent with being in trans (on the opposite chromosome) from a pathogenic variant. This variant is not present in population databases (gnomAD no frequency). This sequence change affects an acceptor splice site in intron 50 of the USH2A gene. It is expected to disrupt RNA splicing. Variants that disrupt the donor or acceptor splice site typically lead to a loss of protein function (PMID: 16199547), and loss-of-function variants in USH2A are known to be pathogenic (PMID: 10729113, 10909849, 20507924, 25649381).

Literature cited by the submitters: PubMed 25558175 (cited by Labcorp Genetics (formerly Invitae), Labcorp); PubMed 16199547 (cited by Labcorp Genetics (formerly Invitae), Labcorp); PubMed 10729113 (cited by Labcorp Genetics (formerly Invitae), Labcorp); PubMed 10909849 (cited by Labcorp Genetics (formerly Invitae), Labcorp); PubMed 20507924 (cited by Labcorp Genetics (formerly Invitae), Labcorp); PubMed 25649381 (cited by Labcorp Genetics (formerly Invitae), Labcorp).